The following is an entry in ClinVar:

ClinVar aggregate classification (germline): Uncertain significance (1 of 4 stars; one submission).

Submission:

Labcorp Genetics (formerly Invitae), Labcorp
Classification: Uncertain significance. Last evaluated: 2023-07-07. Review status: criteria provided, single submitter. Criteria: Invitae Variant Classification Sherloc (09022015). Collection method: clinical testing. Allele origin: germline.
Comment: This sequence change replaces alanine, which is neutral and non-polar, with glycine, which is neutral and non-polar, at codon 414 of the APC2 protein (p.Ala414Gly). This variant is not present in population databases (gnomAD no frequency). This variant has not been reported in the literature in individuals affected with APC2-related conditions. ClinVar contains an entry for this variant (Variation ID: 2092489). Advanced modeling of protein sequence and biophysical properties (such as structural, functional, and spatial information, amino acid conservation, physicochemical variation, residue mobility, and thermodynamic stability) performed at Invitae indicates that this missense variant is expected to disrupt APC2 protein function. In summary, the available evidence is currently insufficient to determine the role of this variant in disease. Therefore, it has been classified as a Variant of Uncertain Significance.

NM_005883.3(APC2):c.1241C>G (p.Ala414Gly)

Gene: APC2 (APC regulator of Wnt signaling pathway 2; plus strand). Cytogenetic location: 19p13.3.
Variant type: single nucleotide variant.
Coding change: c.1241C>G on transcript NM_005883.3 (MANE Select); coding-DNA position 1241, C replaced by G.
Protein change: p.Ala414Gly; replaces alanine 414 with glycine.
Molecular consequence: missense variant.
Genome position (GRCh38, 1-based): chr19:1,457,998, C>G. VCF-style: chr19-1457998-C-G. GRCh37 (hg19) VCF-style: chr19-1457997-C-G.
Other names: c.1238C>G, p.Ala413Gly (NM_001351273.1); short protein forms A413G, A414G.
Identifiers: ClinVar variation 2092489 (VCV002092489.4), dbSNP rs2512484712, ClinGen allele CA403017214.